The following is an entry in ClinVar:

ClinVar aggregate classification (germline): Uncertain significance. Review status: criteria provided, multiple submitters, no conflicts (2 of 4 stars). 2 submissions from 2 submitters: Uncertain significance (2). Last evaluated 2022-09-07.

Conditions:
LAMA2-related muscular dystrophy (LAMA2-RD). Also called: Laminin alpha 2-related dystrophy. Identifiers: MedGen C5679788, MONDO:0100228.
Muscular dystrophy, limb-girdle, autosomal recessive 23. Identifiers: Orphanet 565837, MedGen C4748327, MONDO:0029136, OMIM 618138.
Merosin deficient congenital muscular dystrophy (MDC1A). Also called: Congenital Muscular Dystrophy Type 1A (MDC1A); Congenital merosin-deficient muscular dystrophy 1A. Identifiers: Orphanet 258, MedGen C1263858, MONDO:0011925, OMIM 607855.

Allele frequency attached by ClinVar (database versions not stated): gnomAD 0.00001; TOPMed 0.00001; ExAC 0.00002; gnomAD exomes 0.00002 and 0.00003.
gnomAD v4.1: 46 of 1,613,888 alleles (0.0029%); highest among the groups gnomAD compares: Non-Finnish European, 0.0037%; no homozygotes.

Submissions (2):

Labcorp Genetics (formerly Invitae), Labcorp
Classification: Uncertain significance for LAMA2-related muscular dystrophy. Last evaluated: 2022-09-07. Review status: criteria provided, single submitter. Criteria: Invitae Variant Classification Sherloc (09022015). Collection method: clinical testing. Allele origin: germline.
Comment: This sequence change replaces serine, which is neutral and polar, with phenylalanine, which is neutral and non-polar, at codon 1268 of the LAMA2 protein (p.Ser1268Phe). This variant is present in population databases (rs776042035, gnomAD 0.01%). This variant has not been reported in the literature in individuals affected with LAMA2-related conditions. ClinVar contains an entry for this variant (Variation ID: 653378). Advanced modeling of protein sequence and biophysical properties (such as structural, functional, and spatial information, amino acid conservation, physicochemical variation, residue mobility, and thermodynamic stability) performed at Invitae indicates that this missense variant is not expected to disrupt LAMA2 protein function. In summary, the available evidence is currently insufficient to determine the role of this variant in disease. Therefore, it has been classified as a Variant of Uncertain Significance.

Fulgent Genetics
Classification: Uncertain significance for Merosin deficient congenital muscular dystrophy; Muscular dystrophy, limb-girdle, autosomal recessive 23. Last evaluated: 2022-04-20. Review status: criteria provided, single submitter. Criteria: ACMG Guidelines, 2015. Collection method: clinical testing. Allele origin: unknown.

NM_000426.4(LAMA2):c.3803C>T (p.Ser1268Phe)

Gene: LAMA2 (laminin subunit alpha 2; plus strand). Cytogenetic location: 6q22.33.
Variant type: single nucleotide variant.
Coding change: c.3803C>T on transcript NM_000426.4 (MANE Select); coding-DNA position 3803, C replaced by T.
Protein change: p.Ser1268Phe; replaces serine 1268 with phenylalanine.
Molecular consequence: missense variant.
Genome position (GRCh38, 1-based): chr6:129,315,829, C>T. VCF-style: chr6-129315829-C-T. GRCh37 (hg19) VCF-style: chr6-129636974-C-T.
Other names: c.3803C>T, p.Ser1268Phe (NM_001079823.2); short protein forms S1268F.
Identifiers: ClinVar variation 653378 (VCV000653378.5), dbSNP rs776042035, ClinGen allele CA3993365.